The following is an entry in ClinVar:

NM_139319.3(SLC17A8):c.230T>A (p.Ile77Asn)

Gene: SLC17A8 (solute carrier family 17 member 8; plus strand). Cytogenetic location: 12q23.1.
Variant type: single nucleotide variant.
Coding change: c.230T>A on transcript NM_139319.3 (MANE Select); coding-DNA position 230, T replaced by A.
Protein change: p.Ile77Asn; replaces isoleucine 77 with asparagine.
Molecular consequence: missense variant.
Genome position (GRCh38, 1-based): chr12:100,380,829, T>A. VCF-style: chr12-100380829-T-A. GRCh37 (hg19) VCF-style: chr12-100774607-T-A.
Other names: c.230T>A, p.Ile77Asn (NM_001145288.2); short protein forms I77N.
Identifiers: ClinVar variation 4979600 (VCV004979600.1).

ClinVar aggregate classification (germline): Likely benign (1 of 4 stars; one submission).

Conditions:
SLC17A8-related disorder. Also called: SLC17A8-related condition.

gnomAD v4.1: 74 of 1,614,128 alleles (0.0046%); highest among the groups gnomAD compares: South Asian, 0.079%; 1 homozygote.

Submission:

PreventionGenetics, part of Exact Sciences
Classification: Likely benign for SLC17A8-related condition. Last evaluated: 2025-05-29. Review status: criteria provided, single submitter. Criteria: ACMG Guidelines, 2015. Collection method: clinical testing. Allele origin: germline.
Comment: This variant is classified as likely benign based on ACMG/AMP sequence variant interpretation guidelines (Richards et al. 2015 PMID: 25741868, with internal and published modifications).